The following is an entry in ClinVar:

NM_032861.4(SERAC1):c.1793T>C (p.Met598Thr)

Gene: SERAC1 (serine active site containing 1; minus strand). Cytogenetic location: 6q25.3.
Variant type: single nucleotide variant.
Coding change: c.1793T>C on transcript NM_032861.4 (MANE Select); coding-DNA position 1793, T replaced by C.
Protein change: p.Met598Thr; replaces methionine 598 with threonine.
Molecular consequence: missense variant.
Genome position (GRCh38, 1-based): chr6:158,113,484, A>G on the plus strand (T>C on the coding strand, the complement: SERAC1 is on the minus strand). VCF-style: chr6-158113484-A-G. GRCh37 (hg19) VCF-style: chr6-158534516-A-G.
Other names: short protein forms M598T.
Identifiers: ClinVar variation 2112399 (VCV002112399.4), dbSNP rs2483455851, ClinGen allele CA366254132.

ClinVar aggregate classification (germline): Uncertain significance (1 of 4 stars; one submission).

Conditions:
3-methylglutaconic aciduria with deafness, encephalopathy, and Leigh-like syndrome (MEGDEL). Also called: MEGDEL syndrome; 3-METHYLGLUTACONIC ACIDURIA, TYPE VI; SERAC1 Deficiency. Identifiers: Orphanet 352328, MedGen C4040739, MONDO:0013875, OMIM 614739.

Submission:

Labcorp Genetics (formerly Invitae), Labcorp
Classification: Uncertain significance for 3-methylglutaconic aciduria with deafness, encephalopathy, and Leigh-like syndrome. Last evaluated: 2025-02-24. Review status: criteria provided, single submitter. Criteria: Invitae Variant Classification Sherloc (09022015). Collection method: clinical testing. Allele origin: germline.
Comment: This sequence change replaces methionine, which is neutral and non-polar, with threonine, which is neutral and polar, at codon 598 of the SERAC1 protein (p.Met598Thr). This variant is not present in population databases (gnomAD no frequency). This variant has not been reported in the literature in individuals affected with SERAC1-related conditions. ClinVar contains an entry for this variant (Variation ID: 2112399). Invitae Evidence Modeling of protein sequence and biophysical properties (such as structural, functional, and spatial information, amino acid conservation, physicochemical variation, residue mobility, and thermodynamic stability) indicates that this missense variant is not expected to disrupt SERAC1 protein function with a negative predictive value of 80%. In summary, the available evidence is currently insufficient to determine the role of this variant in disease. Therefore, it has been classified as a Variant of Uncertain Significance.